The following is an entry in ClinVar:

ClinVar aggregate classification (germline): Uncertain significance. Review status: criteria provided, multiple submitters, no conflicts (2 of 4 stars). 2 submissions from 2 submitters: Uncertain significance (2). Last evaluated 2023-10-09.

Conditions:
Cardiomyopathy (CMYO). Also called: Cardiomyopathies. Identifiers: Orphanet 167848, MedGen C0878544, MONDO:0004994, HP:0001638. Inheritance: Various modes of inheritance.
Hypertrophic cardiomyopathy. Also called: HYPERTROPHIC MYOCARDIOPATHY. Identifiers: Orphanet 217569, MedGen C0007194, MeSH D002312, MONDO:0005045, HP:0001639.

Submissions (2):

Color Diagnostics, LLC DBA Color Health
Classification: Uncertain significance for Cardiomyopathy. Last evaluated: 2023-10-09. Review status: criteria provided, single submitter. Criteria: ACMG Guidelines, 2015. Collection method: clinical testing. Allele origin: germline.
Comment: This missense variant replaces lysine with asparagine at codon 740 of the MYH7 protein. Computational prediction suggests that this variant may have a deleterious impact on protein structure and function (internally defined REVEL score threshold >= 0.7, PMID: 27666373). This variant is found within a highly conserved region of the myosin head domain. Missense variants in this region have been shown to be significantly overrepresented in individuals with hypertrophic cardiomyopathy (PMID: 27532257). To our knowledge, functional studies have not been reported for this variant. This variant has been reported in at least four individuals affected with hypertrophic cardiomyopathy (PMID: 25132132, 27532257, 33495597). This variant has not been identified in the general population by the Genome Aggregation Database (gnomAD). The available evidence is insufficient to determine the role of this variant in disease conclusively. Therefore, this variant is classified as a Variant of Uncertain Significance.

Labcorp Genetics (formerly Invitae), Labcorp
Classification: Uncertain significance for Hypertrophic cardiomyopathy. Last evaluated: 2022-05-06. Review status: criteria provided, single submitter. Criteria: Invitae Variant Classification Sherloc (09022015). Collection method: clinical testing. Allele origin: germline.
Comment: This variant is found within a region of MYH7 between codons 181 and 937 that contains the majority of the myosin head domain. Missense variants in this region have been shown to be significantly overrepresented in individuals with hypertrophic cardiomyopathy (PMID: 27532257). In summary, the available evidence is currently insufficient to determine the role of this variant in disease. Therefore, it has been classified as a Variant of Uncertain Significance. Algorithms developed to predict the effect of missense changes on protein structure and function (SIFT, PolyPhen-2, Align-GVGD) all suggest that this variant is likely to be disruptive. This missense change has been observed in individual(s) with hypertrophic cardiomyopathy (PMID: 25132132, 27532257). This variant is not present in population databases (gnomAD no frequency). This sequence change replaces lysine, which is basic and polar, with asparagine, which is neutral and polar, at codon 740 of the MYH7 protein (p.Lys740Asn).

Literature cited by the submitters: PubMed 25132132 (cited by Color Diagnostics, LLC DBA Color Health and Labcorp Genetics (formerly Invitae), Labcorp); PubMed 27532257 (cited by Color Diagnostics, LLC DBA Color Health and Labcorp Genetics (formerly Invitae), Labcorp); PubMed 33495597 (cited by Color Diagnostics, LLC DBA Color Health).

NM_000257.4(MYH7):c.2220G>T (p.Lys740Asn)

Gene: MYH7 (myosin heavy chain 7; minus strand). Cytogenetic location: 14q11.2.
Variant type: single nucleotide variant.
Coding change: c.2220G>T on transcript NM_000257.4 (MANE Select); coding-DNA position 2220, G replaced by T.
Protein change: p.Lys740Asn; replaces lysine 740 with asparagine.
Molecular consequence: missense variant.
Genome position (GRCh38, 1-based): chr14:23,425,761, C>A on the plus strand (G>T on the coding strand, the complement: MYH7 is on the minus strand). VCF-style: chr14-23425761-C-A. GRCh37 (hg19) VCF-style: chr14-23894970-C-A.
Other names: c.2220G>T, p.Lys740Asn (NM_001407004.1); short protein forms K740N.
Identifiers: ClinVar variation 2137563 (VCV002137563.5), dbSNP rs1212346103, ClinGen allele CA389048882.